The following is an entry in ClinVar:

ClinVar aggregate classification (germline): Pathogenic. Review status: reviewed by expert panel (3 of 4 stars). 5 submissions from 5 submitters: Pathogenic (1). 4 of the submissions do not count toward it. Last evaluated 2016-10-18.

Conditions:
Hereditary cancer-predisposing syndrome. Also called: Tumor predisposition; Hereditary neoplastic syndrome; Neoplastic Syndromes, Hereditary; Hereditary Cancer Syndrome. Identifiers: Orphanet 140162, MedGen C0027672, MeSH D009386, MONDO:0015356.
Wilms tumor 1 (WT1). Also called: Wilms tumor, somatic. Identifiers: Orphanet 654, MedGen CN033288, MONDO:0008679, OMIM 194070.
Familial cancer of breast. Also called: hereditary breast carcinoma; BREAST CANCER, FAMILIAL; Hereditary breast cancer. Identifiers: Orphanet 227535, MedGen C0346153, MONDO:0016419, OMIM 114480. Disease mechanism: loss of function.
Fanconi anemia complementation group D1. Also called: BRCA2-Related Fanconi Anemia. Identifiers: Orphanet 319462, MedGen C1838457, MONDO:0011584, OMIM 605724.
Medulloblastoma (MDB). Also called: MEDULLOBLASTOMA PREDISPOSITION SYNDROME; Medulloblastoma, somatic. Identifiers: Orphanet 616, MedGen C0025149, MeSH D008527, MONDO:0007959, OMIM 155255, HP:0002885.
Pancreatic cancer, susceptibility to, 2. Identifiers: Orphanet 1333, MedGen C3150546, MONDO:0013235, OMIM 613347.
Familial prostate cancer. Also called: Hereditary Prostate Cancer. Identifiers: MedGen C2931456, MONDO:0700275, OMIM 176807.
Breast-ovarian cancer, familial, susceptibility to, 2 (BROVCA2). Also called: BRCA2 Hereditary Breast and Ovarian Cancer. Identifiers: Orphanet 145, MedGen C2675520, MONDO:0012933, OMIM 612555. Disease mechanism: loss of function.
Glioma susceptibility 3 (GLM3). Also called: Glioblastoma 3. Identifiers: Orphanet 182067, Orphanet 360, MedGen C2751641, MONDO:0013093, OMIM 613029.
Hereditary breast ovarian cancer syndrome. Also called: Hereditary breast and ovarian cancer; BRCA1- and BRCA2-Associated Hereditary Breast and Ovarian Cancer; Hereditary breast and ovarian cancer syndrome (HBOC); Hereditary breast and/or ovarian cancer syndrome; Hereditary breast and ovarian cancer syndrome; Breast and ovarian cancer. Identifiers: Orphanet 145, MedGen C0677776, MeSH D061325, MONDO:0003582. Disease mechanism: loss of function.

Submissions (5):

Evidence-based Network for the Interpretation of Germline Mutant Alleles (ENIGMA)
Classification: Pathogenic for Breast-ovarian cancer, familial, susceptibility to, 2. Last evaluated: 2016-10-18. Review status: reviewed by expert panel. Criteria: ENIGMA BRCA1/2 Classification Criteria (2015). Collection method: curation. Allele origin: germline.
Comment: Variant allele predicted to encode a truncated non-functional protein.

Ambry Genetics
Classification: Pathogenic for Hereditary cancer-predisposing syndrome. Last evaluated: 2026-06-23. Review status: criteria provided, single submitter. Criteria: Ambry Variant Classification Scheme 2023. Collection method: clinical testing. Allele origin: germline. Not counted in ClinVar's aggregate classification.
Comment: The c.7389_7392delTCAA pathogenic mutation, located in coding exon 13 of the BRCA2 gene, results from a deletion of 4 nucleotides at nucleotide positions 7389 to 7392, causing a translational frameshift with a predicted alternate stop codon (p.N2463Kfs*5). This variant is considered to be rare based on population cohorts in the Genome Aggregation Database (gnomAD). This alteration is expected to result in loss of function by premature protein truncation or nonsense-mediated mRNA decay. As such, this alteration is interpreted as a disease-causing mutation.

Labcorp Genetics (formerly Invitae), Labcorp
Classification: Pathogenic for Hereditary breast ovarian cancer syndrome. Last evaluated: 2024-06-28. Review status: criteria provided, single submitter. Criteria: Invitae Variant Classification Sherloc (09022015). Collection method: clinical testing. Allele origin: germline. Not counted in ClinVar's aggregate classification.
Comment: This sequence change creates a premature translational stop signal (p.Asn2463Lysfs*5) in the BRCA2 gene. It is expected to result in an absent or disrupted protein product. Loss-of-function variants in BRCA2 are known to be pathogenic (PMID: 20104584). This variant is not present in population databases (gnomAD no frequency). This variant has not been reported in the literature in individuals affected with BRCA2-related conditions. ClinVar contains an entry for this variant (Variation ID: 267006). Algorithms developed to predict the effect of sequence changes on RNA splicing suggest that this variant may disrupt the consensus splice site. For these reasons, this variant has been classified as Pathogenic.

Consortium of Investigators of Modifiers of BRCA1/2 (CIMBA), c/o University of Cambridge
Classification: Pathogenic for Breast-ovarian cancer, familial, susceptibility to, 2. Last evaluated: 2015-10-02. Review status: criteria provided, single submitter. Criteria: CIMBA Mutation Classification guidelines May 2016. Collection method: clinical testing. Allele origin: germline. Not counted in ClinVar's aggregate classification.

Juno Genomics, Hangzhou Juno Genomics, Inc
Classification: Pathogenic for Familial cancer of breast; Breast-ovarian cancer, familial, susceptibility to, 2; Glioma susceptibility 3; Medulloblastoma; Pancreatic cancer, susceptibility to, 2; Familial prostate cancer; Fanconi anemia complementation group D1; Wilms tumor 1. Review status: criteria provided, single submitter. Criteria: ACMG Guidelines, 2015. Collection method: clinical testing. Allele origin: germline. Not counted in ClinVar's aggregate classification.
Comment: Absent from controls (or at extremely low frequency if recessive) in Genome Aggregation Database.;Null variant in a gene where loss of function (LOF) is a known mechanism of disease.;The prevalence of the variant in affected individuals is significantly increased compared to the prevalence in controls.;Patient's phenotype or family history is highly specific for a disease with a single genetic etiology.

Literature cited by the submitters: PubMed 20104584 (cited by Labcorp Genetics (formerly Invitae), Labcorp).

NM_000059.4(BRCA2):c.7389_7392del (p.Asn2463fs)

Gene: BRCA2 (BRCA2 DNA repair associated; plus strand). Cytogenetic location: 13q13.1.
Variant type: Deletion.
Coding change: c.7389_7392del on transcript NM_000059.4 (MANE Select); coding-DNA positions 7389 to 7392, 4 bases deleted (TCAA; older notation c.7389_7392delTCAA).
Protein change: p.Asn2463fs; shifts the reading frame from asparagine 2463.
Molecular consequence: frameshift variant.
Genome position (GRCh38, 1-based): chr13:32,355,242-32,355,245, TCAA deleted; deleting any 4 consecutive bases within chr13:32,355,239-32,355,245 gives the same sequence; the c. name uses the placement nearest the transcript's 3' end. VCF-style (leftmost placement, unchanged base first): chr13-32355238-CCAAT-C. GRCh37 (hg19) VCF-style: chr13-32929375-CCAAT-C.
Other names: 7617del4; c.7389_7392delTCAA (NM_000059.3).
Identifiers: ClinVar variation 267006 (VCV000267006.14), dbSNP rs886040704, ClinGen allele CA10589426.
Genomic context (GRCh38, chr13:32,355,238, plus strand): 5'-CTGATGATAGTAAAAATAAGATTAATGACAATGAGATTCATCAGTTTAACAAAAACAACT[CCAAT>C]CAAGCAGTAGCTGTAACTTTCACAAAGTGTGAAGAAGAACCTTTAGGTATTGTATGACAA-3'